The following is an entry in ClinVar:

ClinVar aggregate classification (germline): Uncertain significance (1 of 4 stars; one submission).

Submission:

CeGaT Center for Human Genetics Tuebingen
Classification: Uncertain significance. Last evaluated: 2025-04-01. Review status: criteria provided, single submitter. Criteria: CeGaT Center For Human Genetics Tuebingen Variant Classification Criteria Version 2. Collection method: clinical testing. Allele origin: germline. Affected: yes. Observed: 1 variant allele.
Comment: ASTL: PM2, PVS1:Moderate

NM_001002036.4(ASTL):c.1A>G (p.Met1Val)

Gene: ASTL (astacin like metalloendopeptidase; minus strand). Cytogenetic location: 2q11.2.
Variant type: single nucleotide variant.
Coding change: c.1A>G on transcript NM_001002036.4 (MANE Select); coding-DNA position 1, A replaced by G.
Protein change: p.Met1Val; changes the start codon (methionine 1).
Molecular consequence: missense variant, initiator codon variant.
Genome position (GRCh38, 1-based): chr2:96,138,436, T>C on the plus strand (A>G on the coding strand, the complement: ASTL is on the minus strand). VCF-style: chr2-96138436-T-C. GRCh37 (hg19) VCF-style: chr2-96804175-T-C.
Other names: short protein forms M1V.
Identifiers: ClinVar variation 3898601 (VCV003898601.7).